The following is an entry in ClinVar:

ClinVar aggregate classification (germline): Uncertain significance. Review status: criteria provided, multiple submitters, no conflicts (2 of 4 stars). 3 submissions from 3 submitters: Uncertain significance (3). Last evaluated 2023-09-14.

Conditions:
Asphyxiating thoracic dystrophy 5 (SRTD5). Also called: SHORT-RIB THORACIC DYSPLASIA 5 WITH OR WITHOUT POLYDACTYLY; SHORT-RIB THORACIC DYSPLASIA 5 WITHOUT POLYDACTYLY. Identifiers: Orphanet 474, MedGen C3280598, MONDO:0013717, OMIM 614376.
Senior-Loken syndrome 8 (SLSN8). Identifiers: Orphanet 3156, MedGen C4225376, MONDO:0014579, OMIM 616307.

Allele frequency attached by ClinVar (database versions not stated): gnomAD exomes below 0.00001 and 0.00001; gnomAD 0.00001; ExAC 0.00002; 1000 Genomes Project 30x 0.00016; 1000 Genomes Project 0.00020.
gnomAD v4.1: 2 of 1,613,584 alleles (0.00012%); highest among the groups gnomAD compares: Admixed American, 0.0033%; no homozygotes.

Submissions (3):

ARUP Laboratories, Molecular Genetics and Genomics, ARUP Laboratories
Classification: Uncertain significance. Last evaluated: 2023-09-14. Review status: criteria provided, single submitter. Criteria: ARUP Molecular Germline Variant Investigation Process 2024. Collection method: clinical testing. Allele origin: germline.
Comment: The WDR19 c.1066G>A; p.Ala356Thr variant (rs565630355), to our knowledge, is not reported in the medical literature but is reported in ClinVar (Variation ID: 1045964). This variant is only observed on two alleles in the Genome Aggregation Database, indicating it is not a common polymorphism. Computational analyses predict that this variant is neutral (REVEL: 0.013). Due to limited information, the clinical significance of this variant is uncertain at this time.

Labcorp Genetics (formerly Invitae), Labcorp
Classification: Uncertain significance for Senior-Loken syndrome 8; Asphyxiating thoracic dystrophy 5. Last evaluated: 2020-05-05. Review status: criteria provided, single submitter. Criteria: Invitae Variant Classification Sherloc (09022015). Collection method: clinical testing. Allele origin: germline.
Comment: This variant is present in population databases (rs565630355, ExAC 0.02%). In summary, the available evidence is currently insufficient to determine the role of this variant in disease. Therefore, it has been classified as a Variant of Uncertain Significance. Algorithms developed to predict the effect of missense changes on protein structure and function output the following: SIFT: "Tolerated"; PolyPhen-2: "Benign"; Align-GVGD: "Class C0". The threonine amino acid residue is found in multiple mammalian species, suggesting that this missense change does not adversely affect protein function. These predictions have not been confirmed by published functional studies and their clinical significance is uncertain. This variant has not been reported in the literature in individuals with WDR19-related conditions. This sequence change replaces alanine with threonine at codon 356 of the WDR19 protein (p.Ala356Thr). The alanine residue is moderately conserved and there is a small physicochemical difference between alanine and threonine.

Blueprint Genetics
Classification: Uncertain significance. Last evaluated: 2018-07-13. Review status: criteria provided, single submitter. Criteria: ACMG Guidelines, 2015. Collection method: clinical testing. Allele origin: germline.

NM_025132.4(WDR19):c.1066G>A (p.Ala356Thr)

Gene: WDR19 (WD repeat domain 19; plus strand). Cytogenetic location: 4p14.
Variant type: single nucleotide variant.
Coding change: c.1066G>A on transcript NM_025132.4 (MANE Select); coding-DNA position 1066, G replaced by A.
Protein change: p.Ala356Thr; replaces alanine 356 with threonine.
Molecular consequence: missense variant.
Genome position (GRCh38, 1-based): chr4:39,215,945, G>A. VCF-style: chr4-39215945-G-A. GRCh37 (hg19) VCF-style: chr4-39217565-G-A.
Other names: c.586G>A, p.Ala196Thr (NM_001317924.2); short protein forms A196T, A356T.
Identifiers: ClinVar variation 1045964 (VCV001045964.9), dbSNP rs565630355, ClinGen allele CA2891770.